The following is an entry in ClinVar:

ClinVar aggregate classification (germline): Likely benign. Review status: criteria provided, multiple submitters, no conflicts (2 of 4 stars). 3 submissions from 3 submitters: Likely benign (2). 1 of the submissions does not count toward it. Last evaluated 2026-02-01.

Conditions:
CDC42BPB-related disorder.

Allele frequency attached by ClinVar (database versions not stated): ESP Exome Variant Server 0.00031; TOPMed 0.00038; gnomAD 0.00054; ExAC 0.00137; 1000 Genomes Project 30x 0.00203; 1000 Genomes Project 0.00220.
gnomAD v4.1: 1,147 of 1,614,184 alleles (0.071%); highest among the groups gnomAD compares: South Asian, 0.78%; 12 homozygotes.

Submissions (3):

CeGaT Center for Human Genetics Tuebingen
Classification: Likely benign. Last evaluated: 2026-02-01. Review status: criteria provided, single submitter. Criteria: CeGaT Center For Human Genetics Tuebingen Variant Classification Criteria Version 2. Collection method: clinical testing. Allele origin: germline. Affected: yes. Observed: 1 variant allele.
Comment: CDC42BPB: BS2

Blueprint Genetics
Classification: Likely benign. Last evaluated: 2024-11-27. Review status: criteria provided, single submitter. Criteria: ACMG Guidelines, 2015. Collection method: clinical testing. Allele origin: germline.

PreventionGenetics, part of Exact Sciences
Classification: Likely benign for CDC42BPB-related condition. Last evaluated: 2024-02-13. Review status: no assertion criteria provided. Collection method: clinical testing. Allele origin: germline. Not counted in ClinVar's aggregate classification.
Comment: This variant is classified as likely benign based on ACMG/AMP sequence variant interpretation guidelines (Richards et al. 2015 PMID: 25741868, with internal and published modifications).

NM_006035.4(CDC42BPB):c.1664G>A (p.Arg555Gln)

Gene: CDC42BPB (CDC42 binding protein kinase beta; minus strand). Cytogenetic location: 14q32.32.
Variant type: single nucleotide variant.
Coding change: c.1664G>A on transcript NM_006035.4 (MANE Select); coding-DNA position 1664, G replaced by A.
Protein change: p.Arg555Gln; replaces arginine 555 with glutamine.
Molecular consequence: missense variant.
Genome position (GRCh38, 1-based): chr14:102,972,139, C>T on the plus strand (G>A on the coding strand, the complement: CDC42BPB is on the minus strand). VCF-style: chr14-102972139-C-T. GRCh37 (hg19) VCF-style: chr14-103438476-C-T.
Other names: c.1664G>A, p.Arg555Gln (NM_001411054.1); short protein forms R555Q.
Identifiers: ClinVar variation 3045949 (VCV003045949.7), dbSNP rs36001612, ClinGen allele CA7361293.